The following is an entry in ClinVar:

NM_015450.3(POT1):c.1446C>G (p.Asp482Glu)

Gene: POT1 (protection of telomeres 1; minus strand). Cytogenetic location: 7q31.33.
Variant type: single nucleotide variant.
Coding change: c.1446C>G on transcript NM_015450.3 (MANE Select); coding-DNA position 1446, C replaced by G.
Protein change: p.Asp482Glu; replaces aspartic acid 482 with glutamic acid.
Molecular consequence: missense variant. On other transcripts: non-coding transcript variant (3).
Genome position (GRCh38, 1-based): chr7:124,835,338, G>C on the plus strand (C>G on the coding strand, the complement: POT1 is on the minus strand). VCF-style: chr7-124835338-G-C. GRCh37 (hg19) VCF-style: chr7-124475392-G-C.
Other names: c.1053C>G, p.Asp351Glu (NM_001042594.2); short protein forms D351E, D482E.
Identifiers: ClinVar variation 2450548 (VCV002450548.2), dbSNP rs2485374410, ClinGen allele CA369065652.
Genomic context (GRCh38, chr7:124,835,338, plus strand): 5'-CCCATAGTGATGTATTGTTCCTTGTATAAGAAATGGTGCTGAAAGGTCCAAAAGTTCCAG[G>C]TCTTCGTGGCCAGATCTCACAGGAATTACACTATTAAACTTGTTCGAGAGTTTGCAAATT-3'
Protein context (NP_056265.2, residues 472-492): SVIPVRSGHE[Asp482Glu]LELLDLSAPF

ClinVar aggregate classification (germline): Uncertain significance (1 of 4 stars; one submission).

Conditions:
Hereditary cancer-predisposing syndrome. Also called: Neoplastic Syndromes, Hereditary; Tumor predisposition; Hereditary neoplastic syndrome; Hereditary Cancer Syndrome. Identifiers: Orphanet 140162, MedGen C0027672, MeSH D009386, MONDO:0015356.

Submission:

Ambry Genetics
Classification: Uncertain significance for Hereditary cancer-predisposing syndrome. Last evaluated: 2023-01-20. Review status: criteria provided, single submitter. Criteria: Ambry Variant Classification Scheme 2023. Collection method: clinical testing. Allele origin: germline.
Comment: The p.D482E variant (also known as c.1446C>G), located in coding exon 11 of the POT1 gene, results from a C to G substitution at nucleotide position 1446. The aspartic acid at codon 482 is replaced by glutamic acid, an amino acid with highly similar properties. This amino acid position is conserved. In addition, this alteration is predicted to be tolerated by in silico analysis. Since supporting evidence is limited at this time, the clinical significance of this alteration remains unclear.